The following is an entry in ClinVar:

NM_024334.3(TMEM43):c.13-517A>G

Gene: TMEM43 (transmembrane protein 43; plus strand). Cytogenetic location: 3p25.1.
Variant type: single nucleotide variant.
Coding change: c.13-517A>G on transcript NM_024334.3 (MANE Select); 517 bases into the intron before coding-DNA position 13, A replaced by G.
Molecular consequence: intron variant.
Genome position (GRCh38, 1-based): chr3:14,128,895, A>G. VCF-style: chr3-14128895-A-G. GRCh37 (hg19) VCF-style: chr3-14170395-A-G.
Other names: c.13-517A>G (NM_024334.2).
Identifiers: ClinVar variation 1701452 (VCV001701452.32), dbSNP rs151145310, ClinGen allele CA051768.

ClinVar aggregate classification (germline): Benign/Likely benign. Review status: criteria provided, multiple submitters, no conflicts (2 of 4 stars). 2 submissions from 2 submitters: Benign (1); Likely benign (1). Last evaluated 2025-04-09.

Allele frequency attached by ClinVar (database versions not stated): 1000 Genomes Project 30x 0.00219; 1000 Genomes Project 0.00280; ExAC 0.00297; TOPMed 0.00427; gnomAD exomes 0.00496 and 0.00557; gnomAD 0.00576 and 0.00604.
gnomAD v4.1: 2,530 of 451,298 alleles (0.56%); highest among the groups gnomAD compares: Non-Finnish European, 0.69%; 13 homozygotes.

Submissions (2):

Molecular Diagnostic Laboratory for Inherited Cardiovascular Disease, Montreal Heart Institute
Classification: Likely benign. Last evaluated: 2025-04-09. Review status: criteria provided, single submitter. Criteria: ACMG Guidelines, 2015. Collection method: clinical testing. Allele origin: germline. Affected: no.

CeGaT Center for Human Genetics Tuebingen
Classification: Benign. Last evaluated: 2023-06-01. Review status: criteria provided, single submitter. Criteria: CeGaT Center For Human Genetics Tuebingen Variant Classification Criteria Version 2. Collection method: clinical testing. Allele origin: germline. Affected: yes. Observed: 12 variant alleles.
Comment: TMEM43: BS1, BS2